The following is an entry in ClinVar:

ClinVar aggregate classification (germline): Conflicting classifications of pathogenicity. Review status: criteria provided, conflicting classifications (1 of 4 stars). 2 submissions from 2 submitters: Uncertain significance (1); Likely benign (1). Last evaluated 2026-03-13.

Conditions:
Ataxia-telangiectasia syndrome (AT). Also called: Ataxia telangiectasia (A-T); LOUIS-BAR SYNDROME; ATAXIA-TELANGIECTASIA, FRESNO VARIANT; Ataxia-telangiectasia; Ataxia-telangiectasia, complementation group E; Ataxia-telangiectasia, complementation group D. Identifiers: Orphanet 100, MedGen C0004135, MONDO:0008840, OMIM 208900.
Hereditary cancer-predisposing syndrome. Also called: Tumor predisposition; Hereditary Cancer Syndrome; Neoplastic Syndromes, Hereditary; Hereditary neoplastic syndrome. Identifiers: Orphanet 140162, MedGen C0027672, MeSH D009386, MONDO:0015356.

Allele frequency attached by ClinVar (database versions not stated): gnomAD exomes below 0.00001; TOPMed below 0.00001.
gnomAD v4.1: 4 of 1,614,072 alleles (0.00025%); highest among the groups gnomAD compares: Non-Finnish European, 0.00034%; no homozygotes.

Submissions (2):

Ambry Genetics
Classification: Likely benign for Hereditary cancer-predisposing syndrome. Last evaluated: 2026-03-13. Review status: criteria provided, single submitter. Criteria: Ambry Variant Classification Scheme 2023. Collection method: clinical testing. Allele origin: germline.

Labcorp Genetics (formerly Invitae), Labcorp
Classification: Uncertain significance for Ataxia-telangiectasia syndrome. Last evaluated: 2025-12-24. Review status: criteria provided, single submitter. Criteria: Invitae Variant Classification Sherloc (09022015). Collection method: clinical testing. Allele origin: germline.
Comment: This sequence change replaces threonine, which is neutral and polar, with asparagine, which is neutral and polar, at codon 913 of the ATM protein (p.Thr913Asn). This variant is not present in population databases (gnomAD no frequency). This variant has not been reported in the literature in individuals affected with ATM-related conditions. ClinVar contains an entry for this variant (Variation ID: 524232). Invitae Evidence Modeling of protein sequence and biophysical properties (such as structural, functional, and spatial information, amino acid conservation, physicochemical variation, residue mobility, and thermodynamic stability) indicates that this missense variant is not expected to disrupt ATM protein function with a negative predictive value of 95%. In summary, the available evidence is currently insufficient to determine the role of this variant in disease. Therefore, it has been classified as a Variant of Uncertain Significance.

NM_000051.4(ATM):c.2738C>A (p.Thr913Asn)

Gene: ATM (ATM serine/threonine kinase; plus strand). Cytogenetic location: 11q22.3.
Variant type: single nucleotide variant.
Coding change: c.2738C>A on transcript NM_000051.4 (MANE Select); coding-DNA position 2738, C replaced by A.
Protein change: p.Thr913Asn; replaces threonine 913 with asparagine.
Molecular consequence: missense variant.
Genome position (GRCh38, 1-based): chr11:108,268,509, C>A. VCF-style: chr11-108268509-C-A. GRCh37 (hg19) VCF-style: chr11-108139236-C-A.
Other names: c.2738C>A, p.Thr913Asn (NM_001351834.2); short protein forms T913N.
Identifiers: ClinVar variation 524232 (VCV000524232.8), dbSNP rs1266220962, ClinGen allele CA382545381.
Genomic context (GRCh38, chr11:108,268,509, plus strand): 5'-AAGATCTACTTTTCTTAGACATGCTCAAGTTCTTGTGTTTGTGTGTAACTACTGCTCAGA[C>A]CAATACTGTGTCCTTTAGGGCAGCTGATATTCGGAGGAAATTGTTAATGTTAATTGATTC-3'
Protein context (NP_000042.3, residues 903-923): FLCLCVTTAQ[Thr913Asn]NTVSFRAADI